The following is an entry in ClinVar:

NM_206933.4(USH2A):c.2232T>A (p.Cys744Ter)

Gene: USH2A (usherin; minus strand). Cytogenetic location: 1q41.
Variant type: single nucleotide variant.
Coding change: c.2232T>A on transcript NM_206933.4 (MANE Select); coding-DNA position 2232, T replaced by A.
Protein change: p.Cys744Ter; replaces cysteine 744 with a stop codon.
Molecular consequence: nonsense.
Genome position (GRCh38, 1-based): chr1:216,247,162, A>T on the plus strand (T>A on the coding strand, the complement: USH2A is on the minus strand). VCF-style: chr1-216247162-A-T. GRCh37 (hg19) VCF-style: chr1-216420504-A-T.
Other names: c.2232T>A, p.Cys744Ter (NM_007123.6); short protein forms C744*.
Identifiers: ClinVar variation 2772435 (VCV002772435.3), dbSNP rs2528163712, ClinGen allele CA344865502.

ClinVar aggregate classification (germline): Pathogenic (1 of 4 stars; one submission).

Submission:

Labcorp Genetics (formerly Invitae), Labcorp
Classification: Pathogenic. Last evaluated: 2025-12-29. Review status: criteria provided, single submitter. Criteria: Invitae Variant Classification Sherloc (09022015). Collection method: clinical testing. Allele origin: germline.
Comment: This sequence change creates a premature translational stop signal (p.Cys744*) in the USH2A gene. It is expected to result in an absent or disrupted protein product. Loss-of-function variants in USH2A are known to be pathogenic (PMID: 10729113, 10909849, 20507924, 25649381). This variant is not present in population databases (gnomAD no frequency). This variant has not been reported in the literature in individuals affected with USH2A-related conditions. ClinVar contains an entry for this variant (Variation ID: 2772435). For these reasons, this variant has been classified as Pathogenic.

Literature cited by the submitters: PubMed 10729113; PubMed 10909849; PubMed 20507924; PubMed 25649381.